The following is an entry in ClinVar:

NM_000127.3(EXT1):c.567_568delinsAT (p.Asn189_His190delinsLysTyr)

Gene: EXT1 (exostosin glycosyltransferase 1; minus strand). Cytogenetic location: 8q24.11.
Variant type: Indel.
Coding change: c.567_568delinsAT on transcript NM_000127.3 (MANE Select); coding-DNA positions 567 to 568, TC replaced by AT.
Protein change: p.Asn189_His190delinsLysTyr.
Molecular consequence: missense variant.
Genome position (GRCh38, 1-based): chr8:118,110,479-118,110,480, GA replaced by AT on the plus strand (TC replaced by AT on the coding strand, the reverse complement: EXT1 is on the minus strand). VCF-style: chr8-118110479-GA-AT. GRCh37 (hg19) VCF-style: chr8-119122718-GA-AT.
Identifiers: ClinVar variation 958754 (VCV000958754.9), dbSNP rs1817877229, ClinGen allele CA1139660750.

ClinVar aggregate classification (germline): Uncertain significance (1 of 4 stars; one submission).

Conditions:
Multiple congenital exostosis (EXT). Also called: Multiple exostoses; Hereditary multiple osteochondromas; Hereditary multiple exostoses; Hereditary multiple exostosis; Multiple osteochondromas; MULTIPLE CARTILAGINOUS EXOSTOSES. Identifiers: Orphanet 321, MedGen C0015306, MONDO:0005508, HP:0002762.

Submission:

Labcorp Genetics (formerly Invitae), Labcorp
Classification: Uncertain significance for Multiple congenital exostosis. Last evaluated: 2019-08-24. Review status: criteria provided, single submitter. Criteria: Invitae Variant Classification Sherloc (09022015). Collection method: clinical testing. Allele origin: germline.
Comment: In summary, the available evidence is currently insufficient to determine the role of this variant in disease. Therefore, it has been classified as a Variant of Uncertain Significance. Experimental studies and prediction algorithms are not available or were not evaluated for this variant, and the functional significance of this variant is currently unknown. This variant is not present in population databases (ExAC no frequency). This variant, c.567_568delinsAT, is a complex sequence change that results in the deletion of 2 and insertion of 2 amino acids in the EXT1 protein (p.Asn189_His190delinsLysTyr).